The following is an entry in ClinVar:

NM_001354604.2(MITF):c.592A>G (p.Lys198Glu)

Gene: MITF (melanocyte inducing transcription factor; plus strand). Cytogenetic location: 3p13.
Variant type: single nucleotide variant.
Coding change: c.592A>G on transcript NM_001354604.2 (MANE Select); coding-DNA position 592, A replaced by G.
Protein change: p.Lys198Glu; replaces lysine 198 with glutamic acid.
Molecular consequence: missense variant.
Genome position (GRCh38, 1-based): chr3:69,939,107, A>G. VCF-style: chr3-69939107-A-G. GRCh37 (hg19) VCF-style: chr3-69988258-A-G.
Other names: c.271A>G, p.Lys91Glu (NM_000248.4, NM_198158.3); c.436A>G, p.Lys146Glu (NM_001184967.2, NM_001354608.2); c.589A>G, p.Lys197Glu (NM_001354605.2, NM_001354606.2, NM_006722.3); c.541A>G, p.Lys181Glu (NM_001354607.2); c.592A>G, p.Lys198Glu (NM_198159.3); c.544A>G, p.Lys182Glu (NM_198177.3); c.103A>G, p.Lys35Glu (NM_198178.3); short protein forms K146E, K181E, K182E, K197E, K198E, K35E, K91E.
Identifiers: ClinVar variation 3754955 (VCV003754955.3).

ClinVar aggregate classification (germline): Uncertain significance. Review status: criteria provided, multiple submitters, no conflicts (2 of 4 stars). 2 submissions from 2 submitters: Uncertain significance (2). Last evaluated 2026-03-31.

Conditions:
Hereditary cancer-predisposing syndrome. Also called: Hereditary Cancer Syndrome; Hereditary neoplastic syndrome; Neoplastic Syndromes, Hereditary; Tumor predisposition. Identifiers: Orphanet 140162, MedGen C0027672, MeSH D009386, MONDO:0015356.
Tietz syndrome (TADS). Also called: ALBINISM-DEAFNESS OF TIETZ; HYPOPIGMENTATION/DEAFNESS OF TIETZ; TIETZ ALBINISM-DEAFNESS SYNDROME. Identifiers: Orphanet 42665, MedGen C0391816, MONDO:0007077, OMIM 103500.
Waardenburg syndrome type 2A (WS2A). Also called: WAARDENBURG SYNDROME WITHOUT DYSTOPIA CANTHORUM. Identifiers: Orphanet 3440, MedGen C1860339, MONDO:0008671, OMIM 193510.
Melanoma, cutaneous malignant, susceptibility to, 8. Also called: Cutaneous malignant melanoma 8; MELANOMA AND RENAL CELL CARCINOMA, SUSCEPTIBILITY TO. Identifiers: Orphanet 293822, MedGen C3152204, MONDO:0013759, OMIM 614456.

Submissions (2):

Ambry Genetics
Classification: Uncertain significance for Hereditary cancer-predisposing syndrome. Last evaluated: 2026-03-31. Review status: criteria provided, single submitter. Criteria: Ambry Variant Classification Scheme 2023. Collection method: clinical testing. Allele origin: germline.
Comment: The p.K91E variant (also known as c.271A>G), located in coding exon 3 of the MITF gene, results from an A to G substitution at nucleotide position 271. The lysine at codon 91 is replaced by glutamic acid, an amino acid with similar properties. This amino acid position is conserved. In addition, the in silico prediction for this alteration is inconclusive. Based on the available evidence, the clinical significance of this variant remains unclear.

Labcorp Genetics (formerly Invitae), Labcorp
Classification: Uncertain significance for Melanoma, cutaneous malignant, susceptibility to, 8; Waardenburg syndrome type 2A; Tietz syndrome. Last evaluated: 2024-02-26. Review status: criteria provided, single submitter. Criteria: Invitae Variant Classification Sherloc (09022015). Collection method: clinical testing. Allele origin: germline.
Comment: This sequence change replaces lysine, which is basic and polar, with glutamic acid, which is acidic and polar, at codon 91 of the MITF protein (p.Lys91Glu). This variant is not present in population databases (gnomAD no frequency). This variant has not been reported in the literature in individuals affected with MITF-related conditions. An algorithm developed to predict the effect of missense changes on protein structure and function (PolyPhen-2) suggests that this variant is likely to be tolerated. In summary, the available evidence is currently insufficient to determine the role of this variant in disease. Therefore, it has been classified as a Variant of Uncertain Significance.